The following is an entry in ClinVar:

ClinVar aggregate classification (germline): Conflicting classifications of pathogenicity. Review status: criteria provided, conflicting classifications (1 of 4 stars). 7 submissions from 7 submitters: Likely pathogenic (2); Uncertain significance (5). Last evaluated 2025-09-15.

Conditions:
CDH23-related disorder. Also called: CDH23-related disorders; CDH23-related condition.
Usher syndrome type 1 (USH1). Also called: RETINITIS PIGMENTOSA AND CONGENITAL DEAFNESS. Identifiers: Orphanet 231169, Orphanet 886, MedGen C1568247, MONDO:0010168, OMIM 276900.
Usher syndrome type 1D (USH1D). Also called: USHER SYNDROME, TYPE ID. Identifiers: Orphanet 231169, Orphanet 886, MedGen C1832845, MONDO:0010984, OMIM 601067.

Allele frequency attached by ClinVar (database versions not stated): gnomAD 0.00001; gnomAD exomes 0.00001 and 0.00003.
gnomAD v4.1: 46 of 1,613,864 alleles (0.0029%); highest among the groups gnomAD compares: Non-Finnish European, 0.0036%; no homozygotes.

Submissions (7):

Natera, Inc.
Classification: Likely pathogenic for Usher syndrome type 1. Last evaluated: 2025-09-15. Review status: criteria provided, single submitter. Criteria: Natera Variant Classification Schema (03/2026). Collection method: clinical testing. Allele origin: germline.
Comment: The c.901C>T variant in CDH23 is a missense variant predicted to cause substitution of arginine to tryptophan at amino acid 301. This variant is rare in the general population with a frequency below the threshold expected for the associated phenotype(s). This variant has been observed in one or more individuals affected with the associated recessive disease, as either homozygous or compound heterozygous with a second variant (PMID: 35020051). A different variant at the same position has been determined to be Pathogenic or Likely Pathogenic. Computational prediction algorithms indicate this variant is likely to affect gene or protein function. Given the available evidence, this variant is classified as Likely Pathogenic.

Blueprint Genetics
Classification: Likely pathogenic for CDH23-related disorders. Last evaluated: 2024-02-28. Review status: criteria provided, single submitter. Criteria: ACMG Guidelines, 2015. Collection method: clinical testing. Allele origin: germline. Affected: yes. Observed: 2 variant alleles.

Women's Health and Genetics/Laboratory Corporation of America, LabCorp
Classification: Uncertain significance. Last evaluated: 2023-07-26. Review status: criteria provided, single submitter. Criteria: LabCorp Variant Classification Summary - May 2015. Collection method: clinical testing. Allele origin: germline.
Comment: Variant summary: CDH23 c.901C>T (p.Arg301Trp) results in a non-conservative amino acid change in the encoded protein sequence. Five of five in-silico tools predict a damaging effect of the variant on protein function. The variant allele was found at a frequency of 8e-06 in 249228 control chromosomes. The available data on variant occurrences in the general population are insufficient to allow any conclusion about variant significance. c.901C>T has been reported in the literature in at least one individual affected with sensorineural hearing loss along with a pathogenic variant (Usami_2022). These data do not allow any conclusion about variant significance. A different affecting the same codon (p.Arg301Gln) has been classified as pathogenic by the ClinGen Hearing Loss Variant Curation Expert Panel, suggesting the codon is important for protein function. To our knowledge, no experimental evidence demonstrating an impact on protein function has been reported. The following publication have been ascertained in the context of this evaluation (PMID: 35020051). Four submitters have cited clinical-significance assessments for this variant to ClinVar after 2014. All submitters classified the variant as uncertain significance. Based on the evidence outlined above, the variant was classified as VUS-possibly pathogenic.

Labcorp Genetics (formerly Invitae), Labcorp
Classification: Uncertain significance. Last evaluated: 2022-06-12. Review status: criteria provided, single submitter. Criteria: Invitae Variant Classification Sherloc (09022015). Collection method: clinical testing. Allele origin: germline.
Comment: This sequence change replaces arginine, which is basic and polar, with tryptophan, which is neutral and slightly polar, at codon 301 of the CDH23 protein (p.Arg301Trp). This variant is present in population databases (rs397517364, gnomAD 0.004%). This variant has not been reported in the literature in individuals affected with CDH23-related conditions. ClinVar contains an entry for this variant (Variation ID: 46066). Algorithms developed to predict the effect of missense changes on protein structure and function are either unavailable or do not agree on the potential impact of this missense change (SIFT: "Deleterious"; PolyPhen-2: "Not Available"; Align-GVGD: "Class C65"). This variant disrupts the p.Arg301 amino acid residue in CDH23. Other variant(s) that disrupt this residue have been determined to be pathogenic (PMID: 17850630). This suggests that this residue is clinically significant, and that variants that disrupt this residue are likely to be disease-causing. In summary, the available evidence is currently insufficient to determine the role of this variant in disease. Therefore, it has been classified as a Variant of Uncertain Significance.

Ocular Genomics Institute, Massachusetts Eye and Ear
Classification: Uncertain significance for Usher syndrome type 1D. Last evaluated: 2021-04-08. Review status: criteria provided, single submitter. Criteria: ACMG Guidelines, 2015. Collection method: research. Allele origin: germline. Affected: yes.
Comment: Through a review of available evidence we were able to apply the following criteria: PM2, PP3. Based on this evidence we have classified this variant as Variant of Uncertain Significance.

Eurofins Ntd Llc (ga)
Classification: Uncertain significance. Last evaluated: 2017-02-06. Review status: criteria provided, single submitter. Criteria: EGL Classification Definitions 2015. Collection method: clinical testing. Allele origin: germline. Observed: 1 variant allele, 1 heterozygote.

Laboratory for Molecular Medicine, Mass General Brigham Personalized Medicine
Classification: Uncertain significance. Last evaluated: 2011-04-26. Review status: criteria provided, single submitter. Criteria: LMM Criteria. Collection method: clinical testing. Allele origin: germline. Observed: 1 variant allele.
Comment: The Arg301Trp variant in CDH23 has not been reported in the literature nor previ ously identified by our laboratory. However, another amino acid change (Arg301Gl n) occurs at this position, which has been reported in two Japanese probands wit h hearing loss, both carrying the variant with a second CDH23 variant (Wagatsuma 2007). Furthermore, this residue is highly conserved across species and computa tional analyses (PolyPhen2, SIFT, AlignGVGD) suggest that the Arg301Trp variant may impact the protein. However, this information is not predictive enough to as sume pathogenicity. In summary, the clinical significance of this variant cannot be determined with certainty at this time; however based upon the arguments des cribed above, we would lean towards a more likely pathogenic role.

Literature cited by the submitters: PubMed 35020051 (cited by Natera, Inc. and Women's Health and Genetics/Laboratory Corporation of America, LabCorp); PubMed 17850630 (cited by Labcorp Genetics (formerly Invitae), Labcorp and Ocular Genomics Institute, Massachusetts Eye and Ear).

NM_022124.6(CDH23):c.901C>T (p.Arg301Trp)

Gene: CDH23 (cadherin related 23; plus strand). Cytogenetic location: 10q22.1.
Variant type: single nucleotide variant.
Coding change: c.901C>T on transcript NM_022124.6 (MANE Select); coding-DNA position 901, C replaced by T.
Protein change: p.Arg301Trp; replaces arginine 301 with tryptophan.
Molecular consequence: missense variant.
Genome position (GRCh38, 1-based): chr10:71,615,572, C>T. VCF-style: chr10-71615572-C-T. GRCh37 (hg19) VCF-style: chr10-73375329-C-T.
Other names: c.901C>T, p.Arg301Trp (NM_001171930.2, NM_001171931.2, NM_001171932.2 and 1 more transcripts); short protein forms R301W.
Identifiers: ClinVar variation 46066 (VCV000046066.17), dbSNP rs397517364, ClinGen allele CA137627.